The following is an entry in ClinVar:

ClinVar aggregate classification (germline): Uncertain significance (1 of 4 stars; one submission).

Conditions:
Cardiovascular phenotype. Identifiers: MedGen CN230736.

Allele frequency attached by ClinVar (database versions not stated): gnomAD exomes below 0.00001.
gnomAD v4.1: 3 of 1,613,958 alleles (0.00019%); highest among the groups gnomAD compares: African/African-American, 0.0013%; no homozygotes.

Submission:

Ambry Genetics
Classification: Uncertain significance for Cardiovascular phenotype. Last evaluated: 2018-06-01. Review status: criteria provided, single submitter. Criteria: Ambry Variant Classification Scheme 2023. Collection method: clinical testing. Allele origin: germline.
Comment: The p.S4003Y variant (also known as c.12008C>A), located in coding exon 28 of the APOB gene, results from a C to A substitution at nucleotide position 12008. The serine at codon 4003 is replaced by tyrosine, an amino acid with dissimilar properties. This amino acid position is well conserved in available vertebrate species; however, tyrosine is the reference amino acid in other vertebrate species. In addition, this alteration is predicted to be tolerated by in silico analysis. Since supporting evidence is limited at this time, the clinical significance of this alteration remains unclear.

NM_000384.3(APOB):c.12008C>A (p.Ser4003Tyr)

Gene: APOB (apolipoprotein B; minus strand). Cytogenetic location: 2p24.1.
Variant type: single nucleotide variant.
Coding change: c.12008C>A on transcript NM_000384.3 (MANE Select); coding-DNA position 12008, C replaced by A.
Protein change: p.Ser4003Tyr; replaces serine 4003 with tyrosine.
Molecular consequence: missense variant.
Genome position (GRCh38, 1-based): chr2:21,004,348, G>T on the plus strand (C>A on the coding strand, the complement: APOB is on the minus strand). VCF-style: chr2-21004348-G-T. GRCh37 (hg19) VCF-style: chr2-21227220-G-T.
Other names: short protein forms S4003Y.
Identifiers: ClinVar variation 1747312 (VCV001747312.2), dbSNP rs1446262066, ClinGen allele CA345975471.